The following is an entry in ClinVar:

ClinVar aggregate classification (germline): Likely benign. Review status: criteria provided, multiple submitters, no conflicts (2 of 4 stars). 2 submissions from 2 submitters: Likely benign (2). Last evaluated 2025-10-30.

Conditions:
Methylmalonic acidemia with homocystinuria, type cblX (MAHCX). Also called: INTELLECTUAL DEVELOPMENTAL DISORDER, X-LINKED 3. Identifiers: Orphanet 369962, MedGen C0796208, MONDO:0010657, OMIM 309541.

Allele frequency attached by ClinVar (database versions not stated): ExAC 0.00001; gnomAD exomes 0.00001; gnomAD 0.00002; TOPMed 0.00002.
gnomAD v4.1: 12 of 1,208,262 alleles (0.00099%); highest among the groups gnomAD compares: Non-Finnish European, 0.0012%; no homozygotes.

Submissions (2):

Labcorp Genetics (formerly Invitae), Labcorp
Classification: Likely benign for Methylmalonic acidemia with homocystinuria, type cblX. Last evaluated: 2025-10-30. Review status: criteria provided, single submitter. Criteria: Invitae Variant Classification Sherloc (09022015). Collection method: clinical testing. Allele origin: germline.

GeneDx
Classification: Likely benign. Last evaluated: 2017-02-07. Review status: criteria provided, single submitter. Criteria: GeneDx Variant Classification (06012015). Collection method: clinical testing. Allele origin: germline. Affected: yes.
Comment: This variant is considered likely benign or benign based on one or more of the following criteria: it is a conservative change, it occurs at a poorly conserved position in the protein, it is predicted to be benign by multiple in silico algorithms, and/or has population frequency not consistent with disease.

NM_005334.3(HCFC1):c.5517+16T>A

Gene: HCFC1 (host cell factor C1; minus strand). Cytogenetic location: Xq28.
Variant type: single nucleotide variant.
Coding change: c.5517+16T>A on transcript NM_005334.3 (MANE Select); 16 bases into the intron after coding-DNA position 5517, T replaced by A.
Molecular consequence: intron variant.
Genome position (GRCh38, 1-based): chrX:153,951,334, A>T on the plus strand (T>A on the coding strand, the complement: HCFC1 is on the minus strand). VCF-style: chrX-153951334-A-T. GRCh37 (hg19) VCF-style: chrX-153216785-A-T.
Identifiers: ClinVar variation 507155 (VCV000507155.9), dbSNP rs782354980, ClinGen allele CA10556766.